The following is an entry in ClinVar:

NM_016356.5(DCDC2):c.463C>T (p.Arg155Cys)

Gene: DCDC2 (doublecortin domain containing 2; minus strand). Cytogenetic location: 6p22.3.
Variant type: single nucleotide variant.
Coding change: c.463C>T on transcript NM_016356.5 (MANE Select); coding-DNA position 463, C replaced by T.
Protein change: p.Arg155Cys; replaces arginine 155 with cysteine.
Molecular consequence: missense variant.
Genome position (GRCh38, 1-based): chr6:24,301,809, G>A on the plus strand (C>T on the coding strand, the complement: DCDC2 is on the minus strand). VCF-style: chr6-24301809-G-A. GRCh37 (hg19) VCF-style: chr6-24302037-G-A.
Other names: c.463C>T (NM_016356.4); c.463C>T, p.Arg155Cys (NM_001195610.2); short protein forms R155C.
Identifiers: ClinVar variation 2186477 (VCV002186477.6), dbSNP rs368811969, ClinGen allele CA3654746.

ClinVar aggregate classification (germline): Uncertain significance. Review status: criteria provided, multiple submitters, no conflicts (2 of 4 stars). 3 submissions from 3 submitters: Uncertain significance (3). Last evaluated 2025-07-27.

Conditions:
Isolated neonatal sclerosing cholangitis (NSC). Also called: Sclerosing cholangitis, neonatal. Identifiers: Orphanet 480556, MedGen C4479344, MONDO:0018816, OMIM 617394.
Autosomal recessive nonsyndromic hearing loss 66 (DFNB66). Also called: Deafness, autosomal recessive 66. Identifiers: Orphanet 90636, MedGen C1857750, MONDO:0012442, OMIM 610212.

Allele frequency attached by ClinVar (database versions not stated): TOPMed below 0.00001; gnomAD 0.00001; gnomAD exomes 0.00002; ExAC 0.00004; ESP Exome Variant Server 0.00008.
gnomAD v4.1: 27 of 1,614,026 alleles (0.0017%); highest among the groups gnomAD compares: South Asian, 0.0088%; no homozygotes.

Submissions (3):

GeneDx
Classification: Uncertain significance. Last evaluated: 2025-07-27. Review status: criteria provided, single submitter. Criteria: GeneDx Variant Classification Process June 2021. Collection method: clinical testing. Allele origin: germline. Affected: yes.
Comment: Not observed at significant frequency in large population cohorts (gnomAD); In silico analysis supports that this missense variant has a deleterious effect on protein structure/function; Has not been previously published as pathogenic or benign to our knowledge

Labcorp Genetics (formerly Invitae), Labcorp
Classification: Uncertain significance for Autosomal recessive nonsyndromic hearing loss 66; Isolated neonatal sclerosing cholangitis. Last evaluated: 2022-04-18. Review status: criteria provided, single submitter. Criteria: Invitae Variant Classification Sherloc (09022015). Collection method: clinical testing. Allele origin: germline.
Comment: This sequence change replaces arginine, which is basic and polar, with cysteine, which is neutral and slightly polar, at codon 155 of the DCDC2 protein (p.Arg155Cys). This variant is present in population databases (rs368811969, gnomAD 0.004%). This variant has not been reported in the literature in individuals affected with DCDC2-related conditions. Algorithms developed to predict the effect of missense changes on protein structure and function (SIFT, PolyPhen-2, Align-GVGD) all suggest that this variant is likely to be disruptive. In summary, the available evidence is currently insufficient to determine the role of this variant in disease. Therefore, it has been classified as a Variant of Uncertain Significance.

Blueprint Genetics
Classification: Uncertain significance. Last evaluated: 2020-09-22. Review status: criteria provided, single submitter. Criteria: ACMG Guidelines, 2015. Collection method: clinical testing. Allele origin: germline.